The following is an entry in ClinVar:

ClinVar aggregate classification (germline): Conflicting classifications of pathogenicity. Review status: criteria provided, conflicting classifications (1 of 4 stars). 2 submissions from 2 submitters: Uncertain significance (1); Likely benign (1). Last evaluated 2025-04-08.

Conditions:
EP300-related disorder. Also called: EP300-related condition; EP300-related disorders.

Allele frequency attached by ClinVar (database versions not stated): TOPMed below 0.00001; gnomAD 0.00001.
gnomAD v4.1: 2 of 1,614,010 alleles (0.00012%); highest among the groups gnomAD compares: Non-Finnish European, 0.00017%; no homozygotes.

Submissions (2):

PreventionGenetics, part of Exact Sciences
Classification: Likely benign for EP300-related condition. Last evaluated: 2025-04-08. Review status: criteria provided, single submitter. Criteria: ACMG Guidelines, 2015. Collection method: clinical testing. Allele origin: germline.
Comment: This variant is classified as likely benign based on ACMG/AMP sequence variant interpretation guidelines (Richards et al. 2015 PMID: 25741868, with internal and published modifications).

GeneDx
Classification: Uncertain significance. Last evaluated: 2020-01-27. Review status: criteria provided, single submitter. Criteria: GeneDx Variant Classification Process June 2021. Collection method: clinical testing. Allele origin: germline. Affected: yes.
Comment: Not observed in large population cohorts (Lek et al., 2016); In silico analysis supports that this variant does not alter splicing; Has not been previously published as pathogenic or benign to our knowledge

NM_001429.4(EP300):c.6243G>A (p.Leu2081=)

Gene: EP300 (EP300 lysine acetyltransferase; plus strand). Cytogenetic location: 22q13.2.
Variant type: single nucleotide variant.
Coding change: c.6243G>A on transcript NM_001429.4 (MANE Select); coding-DNA position 6243, G replaced by A.
Protein change: p.Leu2081=; no amino-acid change (leucine 2081 retained).
Molecular consequence: synonymous variant.
Genome position (GRCh38, 1-based): chr22:41,177,954, G>A. VCF-style: chr22-41177954-G-A. GRCh37 (hg19) VCF-style: chr22-41573958-G-A.
Other names: c.6165G>A, p.Leu2055= (NM_001362843.2).
Identifiers: ClinVar variation 1313137 (VCV001313137.3), dbSNP rs2059212331, ClinGen allele CA514793968.